The following is an entry in ClinVar:

ClinVar aggregate classification (germline): Uncertain significance (1 of 4 stars; one submission).

Conditions:
MHC class I deficiency. Identifiers: Orphanet 34592, MedGen C6024714, MONDO:0011476.

Submission:

Labcorp Genetics (formerly Invitae), Labcorp
Classification: Uncertain significance for MHC class I deficiency 1. Last evaluated: 2022-10-05. Review status: criteria provided, single submitter. Criteria: Invitae Variant Classification Sherloc (09022015). Collection method: clinical testing. Allele origin: germline.
Comment: In summary, the available evidence is currently insufficient to determine the role of this variant in disease. Therefore, it has been classified as a Variant of Uncertain Significance. Algorithms developed to predict the effect of missense changes on protein structure and function are either unavailable or do not agree on the potential impact of this missense change (SIFT: "Deleterious"; PolyPhen-2: "Not Available"; Align-GVGD: "Class C0"). This variant has not been reported in the literature in individuals affected with TAP2-related conditions. This variant is not present in population databases (gnomAD no frequency). This sequence change replaces glutamic acid, which is acidic and polar, with glycine, which is neutral and non-polar, at codon 243 of the TAP2 protein (p.Glu243Gly).

NM_001290043.2(TAP2):c.728A>G (p.Glu243Gly)

Genes: TAP2 (transporter 2, ATP binding cassette subfamily B member; minus strand), LOC107648851 (meiotic recombination hotspot TAP2; plus strand). Cytogenetic location: 6p21.32.
Variant type: single nucleotide variant.
Coding change: c.728A>G on transcript NM_001290043.2 (MANE Select); coding-DNA position 728, A replaced by G.
Protein change: p.Glu243Gly; replaces glutamic acid 243 with glycine.
Molecular consequence: missense variant.
Genome position (GRCh38, 1-based): chr6:32,835,654, T>C on the plus strand (A>G on the coding strand, the complement: TAP2 is on the minus strand). VCF-style: chr6-32835654-T-C. GRCh37 (hg19) VCF-style: chr6-32803431-T-C.
Other names: c.728A>G, p.Glu243Gly (NM_000544.3, NM_018833.3); short protein forms E243G.
Identifiers: ClinVar variation 2016287 (VCV002016287.4), dbSNP rs1412361195, ClinGen allele CA363585023.